The following is an entry in ClinVar:

ClinVar aggregate classification (germline): Likely benign. Review status: criteria provided, multiple submitters, no conflicts (2 of 4 stars). 2 submissions from 2 submitters: Likely benign (2). Last evaluated 2026-02-04.

Conditions:
Dilated cardiomyopathy 1G (CMD1G). Identifiers: Orphanet 154, MedGen C1858763, MONDO:0011400, OMIM 604145.
Autosomal recessive limb-girdle muscular dystrophy type 2J (LGMDR10). Also called: Limb-girdle muscular dystrophy, type 2J; MUSCULAR DYSTROPHY, LIMB-GIRDLE, AUTOSOMAL RECESSIVE 10. Identifiers: Orphanet 140922, MedGen C1837342, MONDO:0012127, OMIM 608807.
TTN-related disorder. Also called: TTN-related disorders; TTN-related condition; TTN-related disease.

Allele frequency attached by ClinVar (database versions not stated): gnomAD 0.00002 and 0.00003; TOPMed 0.00002; ExAC 0.00004; gnomAD exomes 0.00004.

Submissions (2):

Labcorp Genetics (formerly Invitae), Labcorp
Classification: Likely benign for Dilated cardiomyopathy 1G; Autosomal recessive limb-girdle muscular dystrophy type 2J. Last evaluated: 2026-02-04. Review status: criteria provided, single submitter. Criteria: Invitae Variant Classification Sherloc (09022015). Collection method: clinical testing. Allele origin: germline.

PreventionGenetics, part of Exact Sciences
Classification: Likely benign for TTN-related condition. Last evaluated: 2025-11-03. Review status: criteria provided, single submitter. Criteria: ACMG Guidelines, 2015. Collection method: clinical testing. Allele origin: germline.
Comment: This variant is classified as likely benign based on ACMG/AMP sequence variant interpretation guidelines (Richards et al. 2015 PMID: 25741868, with internal and published modifications).

NM_001267550.2(TTN):c.31497G>A (p.Glu10499=)

Gene: TTN (titin; minus strand). Cytogenetic location: 2q31.2.
Variant type: single nucleotide variant.
Coding change: c.31497G>A on transcript NM_001267550.2 (MANE Select); coding-DNA position 31497, G replaced by A.
Protein change: p.Glu10499=; no amino-acid change (glutamic acid 10499 retained).
Molecular consequence: synonymous variant. On other transcripts: intron variant (3).
Genome position (GRCh38, 1-based): chr2:178,693,938, C>T on the plus strand (G>A on the coding strand, the complement: TTN is on the minus strand). VCF-style: chr2-178693938-C-T. GRCh37 (hg19) VCF-style: chr2-179558665-C-T.
Other names: c.30546G>A, p.Glu10182= (NM_001256850.1); c.27765G>A, p.Glu9255= (NM_133378.4); c.13282+44144G>A (NM_003319.4); c.13858+44144G>A (NM_133437.4); c.13657+44144G>A (NM_133432.3).
Identifiers: ClinVar variation 1093662 (VCV001093662.10), dbSNP rs780623097, ClinGen allele CA1998944.